The following is an entry in ClinVar:

ClinVar aggregate classification (germline): Uncertain significance. Review status: criteria provided, multiple submitters, no conflicts (2 of 4 stars). 2 submissions from 2 submitters: Uncertain significance (2). Last evaluated 2025-02-03.

Conditions:
Inborn genetic diseases. Identifiers: MedGen C0950123, MeSH D030342.

Allele frequency attached by ClinVar (database versions not stated): gnomAD exomes below 0.00001.
gnomAD v4.1: 3 of 1,614,022 alleles (0.00019%); highest among the groups gnomAD compares: Admixed American, 0.0017%; no homozygotes.

Submissions (2):

Ambry Genetics
Classification: Uncertain significance for Inborn genetic diseases. Last evaluated: 2025-02-03. Review status: criteria provided, single submitter. Criteria: Ambry Variant Classification Scheme 2023. Collection method: clinical testing. Allele origin: germline.
Comment: The p.I151V variant (also known as c.451A>G), located in coding exon 3 of the MBD4 gene, results from an A to G substitution at nucleotide position 451. The isoleucine at codon 151 is replaced by valine, an amino acid with highly similar properties. This amino acid position is conserved. In addition, this alteration is predicted to be tolerated by in silico analysis. Based on the available evidence, the clinical significance of this variant remains unclear.

Labcorp Genetics (formerly Invitae), Labcorp
Classification: Uncertain significance. Last evaluated: 2024-12-12. Review status: criteria provided, single submitter. Criteria: Invitae Variant Classification Sherloc (09022015). Collection method: clinical testing. Allele origin: germline.
Comment: This sequence change replaces isoleucine, which is neutral and non-polar, with valine, which is neutral and non-polar, at codon 151 of the MBD4 protein (p.Ile151Val). This variant is present in population databases (no rsID available, gnomAD 0.003%). This variant has not been reported in the literature in individuals affected with MBD4-related conditions. ClinVar contains an entry for this variant (Variation ID: 2956130). An algorithm developed to predict the effect of missense changes on protein structure and function (PolyPhen-2) suggests that this variant is likely to be tolerated. In summary, the available evidence is currently insufficient to determine the role of this variant in disease. Therefore, it has been classified as a Variant of Uncertain Significance.

NM_001276270.2(MBD4):c.451A>G (p.Ile151Val)

Gene: MBD4 (methyl-CpG binding domain 4, DNA glycosylase; minus strand). Cytogenetic location: 3q21.3.
Variant type: single nucleotide variant.
Coding change: c.451A>G on transcript NM_001276270.2 (MANE Select); coding-DNA position 451, A replaced by G.
Protein change: p.Ile151Val; replaces isoleucine 151 with valine.
Molecular consequence: missense variant. On other transcripts: intron variant (1).
Genome position (GRCh38, 1-based): chr3:129,437,193, T>C on the plus strand (A>G on the coding strand, the complement: MBD4 is on the minus strand). VCF-style: chr3-129437193-T-C. GRCh37 (hg19) VCF-style: chr3-129156036-T-C.
Other names: c.451A>G, p.Ile151Val (NM_001276271.2, NM_001276272.2, NM_003925.3); c.247+615A>G (NM_001276273.2); short protein forms I151V.
Identifiers: ClinVar variation 2956130 (VCV002956130.5), dbSNP rs1356089454, ClinGen allele CA354468017.
Genomic context (GRCh38, chr3:129,437,193, plus strand): 5'-TTTGGTTTTGTAGATGGGATGTCAGGGCTGCCATGCTGCAGTCTTTATATCTTGACTTGA[T>C]ACCCCTTTTAGAAAGTACAGTAAAATCAAAATCTTCTGGCTTAAGAGAAGTCTCTCCATT-3'
Protein context (NP_001263199.1, residues 141-161): FDFTVLSKRG[Ile151Val]KSRYKDCSMA